The following is an entry in ClinVar:

ClinVar aggregate classification (germline): Uncertain significance. Review status: criteria provided, multiple submitters, no conflicts (2 of 4 stars). 2 submissions from 2 submitters: Uncertain significance (2). Last evaluated 2025-05-01.

Conditions:
Hereditary cancer-predisposing syndrome. Also called: Hereditary neoplastic syndrome; Tumor predisposition; Neoplastic Syndromes, Hereditary; Hereditary Cancer Syndrome. Identifiers: Orphanet 140162, MedGen C0027672, MeSH D009386, MONDO:0015356.
Familial adenomatous polyposis 1 (FAP1). Also called: FAMILIAL ADENOMATOUS POLYPOSIS 1, ATTENUATED; POLYPOSIS, ADENOMATOUS INTESTINAL. Identifiers: MedGen C2713442, MONDO:0021056, OMIM 175100. Disease mechanism: loss of function.

Submissions (2):

Ambry Genetics
Classification: Uncertain significance for Hereditary cancer-predisposing syndrome. Last evaluated: 2025-05-01. Review status: criteria provided, single submitter. Criteria: Ambry Variant Classification Scheme 2023. Collection method: clinical testing. Allele origin: germline.
Comment: The p.M184I variant (also known as c.552G>T), located in coding exon 5 of the APC gene, results from a G to T substitution at nucleotide position 552. The methionine at codon 184 is replaced by isoleucine, an amino acid with highly similar properties. This amino acid position is highly conserved in available vertebrate species. In addition, in silico predictors for this gene do not accurately predict pathogenicity. Missense alterations in APC are not a common cause of disease (Spier I et al. Genet Med. 2024 Feb;26(2):100992). Based on the available evidence, the clinical significance of this variant remains unclear.

Labcorp Genetics (formerly Invitae), Labcorp
Classification: Uncertain significance for Familial adenomatous polyposis 1. Last evaluated: 2024-04-29. Review status: criteria provided, single submitter. Criteria: Invitae Variant Classification Sherloc (09022015). Collection method: clinical testing. Allele origin: germline.
Comment: This sequence change replaces methionine, which is neutral and non-polar, with isoleucine, which is neutral and non-polar, at codon 184 of the APC protein (p.Met184Ile). This variant is not present in population databases (gnomAD no frequency). This variant has not been reported in the literature in individuals affected with APC-related conditions. ClinVar contains an entry for this variant (Variation ID: 955787). Advanced modeling of protein sequence and biophysical properties (such as structural, functional, and spatial information, amino acid conservation, physicochemical variation, residue mobility, and thermodynamic stability) performed at Invitae indicates that this missense variant is not expected to disrupt APC protein function with a negative predictive value of 95%. In summary, the available evidence is currently insufficient to determine the role of this variant in disease. Therefore, it has been classified as a Variant of Uncertain Significance.

NM_000038.6(APC):c.552G>T (p.Met184Ile)

Gene: APC (APC regulator of Wnt signaling pathway; plus strand). Cytogenetic location: 5q22.2.
Variant type: single nucleotide variant.
Coding change: c.552G>T on transcript NM_000038.6 (MANE Select); coding-DNA position 552, G replaced by T.
Protein change: p.Met184Ile; replaces methionine 184 with isoleucine.
Molecular consequence: missense variant. On other transcripts: 5 prime UTR variant (1).
Genome position (GRCh38, 1-based): chr5:112,780,810, G>T. VCF-style: chr5-112780810-G-T. GRCh37 (hg19) VCF-style: chr5-112116507-G-T.
Other names: c.552G>T, p.Met184Ile (NM_001127510.3, NM_001354895.2, NM_001354896.2 and 2 more transcripts); c.582G>T, p.Met194Ile (NM_001127511.3, NM_001354897.2, NM_001354902.2); c.477G>T, p.Met159Ile (NM_001354898.2, NM_001354904.2); c.375G>T, p.Met125Ile (NM_001354900.2, NM_001354901.2, NM_001354905.2); c.-484G>T (NM_001354906.2); short protein forms M125I, M159I, M184I, M194I.
Identifiers: ClinVar variation 955787 (VCV000955787.12), dbSNP rs1758240617, ClinGen allele CA16022541.
Genomic context (GRCh38, chr5:112,780,810, plus strand): 5'-ATACAAGATATTGATACTTTTTTATTATTTGTGGTTTTAGTTTTCCTTACAAACAGATAT[G>T]ACCAGAAGGCAATTGGAATATGAAGCAAGGCAAATCAGAGTTGCGATGGAAGAACAACTA-3'
Protein context (NP_000029.2, residues 174-194): LTENFSLQTD[Met184Ile]TRRQLEYEAR